The following is an entry in ClinVar:

NM_001267550.2(TTN):c.47429C>T (p.Thr15810Ile)

Genes: TTN (titin; minus strand), TTN-AS1 (TTN antisense RNA 1; plus strand). Cytogenetic location: 2q31.2.
Variant type: single nucleotide variant.
Coding change: c.47429C>T on transcript NM_001267550.2 (MANE Select); coding-DNA position 47429, C replaced by T.
Protein change: p.Thr15810Ile; replaces threonine 15810 with isoleucine.
Molecular consequence: missense variant.
Genome position (GRCh38, 1-based): chr2:178,617,922, G>A on the plus strand (C>T on the coding strand, the complement: TTN is on the minus strand). VCF-style: chr2-178617922-G-A. GRCh37 (hg19) VCF-style: chr2-179482649-G-A.
Other names: c.42506C>T, p.Thr14169Ile (NM_001256850.1); c.20234C>T, p.Thr6745Ile (NM_003319.4); c.39725C>T, p.Thr13242Ile (NM_133378.4); c.20609C>T, p.Thr6870Ile (NM_133432.3); c.20810C>T, p.Thr6937Ile (NM_133437.4); short protein forms T13242I, T15810I, T14169I, T6937I, T6745I, T6870I.
Identifiers: ClinVar variation 499037 (VCV000499037.13), dbSNP rs748816848, ClinGen allele CA1995047.

ClinVar aggregate classification (germline): Uncertain significance. Review status: criteria provided, multiple submitters, no conflicts (2 of 4 stars). 5 submissions from 5 submitters: Uncertain significance (5). Last evaluated 2025-10-08.

Conditions:
Cardiovascular phenotype. Identifiers: MedGen CN230736.
Cardiomyopathy (CMYO). Also called: Cardiomyopathies. Identifiers: Orphanet 167848, MedGen C0878544, MONDO:0004994, HP:0001638. Inheritance: Various modes of inheritance.

Allele frequency attached by ClinVar (database versions not stated): TOPMed below 0.00001; ExAC 0.00002; gnomAD exomes 0.00002.
gnomAD v4.1: 16 of 1,612,670 alleles (0.00099%); highest among the groups gnomAD compares: South Asian, 0.012%; no homozygotes.

Submissions (5):

Women's Health and Genetics/Laboratory Corporation of America, LabCorp
Classification: Uncertain significance. Last evaluated: 2025-10-08. Review status: criteria provided, single submitter. Criteria: LabCorp Variant Classification Summary - May 2015. Collection method: clinical testing. Allele origin: germline.
Comment: Variant summary: TTN c.39725C>T (p.Thr13242Ile) results in a non-conservative amino acid change in the encoded protein sequence. Algorithms developed to predict the effect of missense changes on protein structure and function are either unavailable or do not agree on the potential impact of this missense change. The variant allele was found at a frequency of 1.6e-05 in 248352 control chromosomes. The available data on variant occurrences in the general population are insufficient to allow any conclusion about variant significance. To our knowledge, no occurrence of c.39725C>T in individuals affected with TTN-related conditions and no experimental evidence demonstrating its impact on protein function have been reported. ClinVar contains an entry for this variant (Variation ID: 499037). Based on the evidence outlined above, the variant was classified as uncertain significance.

Revvity Omics, Revvity
Classification: Uncertain significance. Last evaluated: 2022-08-23. Review status: criteria provided, single submitter. Criteria: ACMG Guidelines, 2015. Collection method: clinical testing. Allele origin: germline.

Ambry Genetics
Classification: Uncertain significance for Cardiovascular phenotype. Last evaluated: 2019-05-29. Review status: criteria provided, single submitter. Criteria: Ambry Variant Classification Scheme 2023. Collection method: clinical testing. Allele origin: germline.
Comment: The p.T6745I variant (also known as c.20234C>T), located in coding exon 80 of the TTN gene, results from a C to T substitution at nucleotide position 20234. The threonine at codon 6745 is replaced by isoleucine, an amino acid with similar properties. This amino acid position is not well conserved in available vertebrate species. In addition, this alteration is predicted to be benign and unknown by PolyPhen and SIFT in silico analyses, respectively. Since supporting evidence is limited at this time, the clinical significance of this alteration remains unclear.

Eurofins Ntd Llc (ga)
Classification: Uncertain significance. Last evaluated: 2017-01-04. Review status: criteria provided, single submitter. Criteria: EGL Classification Definitions 2015. Collection method: clinical testing. Allele origin: germline. Observed: 1 variant allele, 1 heterozygote.

CHEO Genetics Diagnostic Laboratory, Children's Hospital of Eastern Ontario
Classification: Uncertain significance for Cardiomyopathy. Last evaluated: 2016-05-02. Review status: criteria provided, single submitter. Criteria: ACMG Guidelines, 2015. Collection method: clinical testing. Allele origin: germline. Study: Canadian Open Genetics Repository.